The following is an entry in ClinVar:

ClinVar aggregate classification (germline): Uncertain significance (1 of 4 stars; one submission).

Submission:

Labcorp Genetics (formerly Invitae), Labcorp
Classification: Uncertain significance. Last evaluated: 2023-06-14. Review status: criteria provided, single submitter. Criteria: Invitae Variant Classification Sherloc (09022015). Collection method: clinical testing. Allele origin: germline.
Comment: In summary, the available evidence is currently insufficient to determine the role of this variant in disease. Therefore, it has been classified as a Variant of Uncertain Significance. Algorithms developed to predict the effect of missense changes on protein structure and function output the following: SIFT: "Not Available"; PolyPhen-2: "Benign"; Align-GVGD: "Not Available". The serine amino acid residue is found in multiple mammalian species, which suggests that this missense change does not adversely affect protein function. This variant has not been reported in the literature in individuals affected with SON-related conditions. This variant is not present in population databases (gnomAD no frequency). This sequence change replaces proline, which is neutral and non-polar, with serine, which is neutral and polar, at codon 483 of the SON protein (p.Pro483Ser).

NM_138927.4(SON):c.1447C>T (p.Pro483Ser)

Genes: MIR6501 (microRNA 6501; plus strand), SON (SON DNA and RNA binding protein; plus strand). Cytogenetic location: 21q22.11.
Variant type: single nucleotide variant.
Coding change: c.1447C>T on transcript NM_138927.4 (MANE Select); coding-DNA position 1447, C replaced by T.
Protein change: p.Pro483Ser; replaces proline 483 with serine.
Molecular consequence: missense variant. On other transcripts: non-coding transcript variant (2), intron variant (1).
Genome position (GRCh38, 1-based): chr21:33,550,678, C>T. VCF-style: chr21-33550678-C-T. GRCh37 (hg19) VCF-style: chr21-34922984-C-T.
Other names: c.1447C>T, p.Pro483Ser (NM_001291411.2, NM_001412133.1, NM_032195.3 and 2 more transcripts); c.244+4299C>T (NM_001291412.3); short protein forms P483S.
Identifiers: ClinVar variation 2783712 (VCV002783712.3), dbSNP rs2085752390, ClinGen allele CA410153905.